The following is an entry in ClinVar:

ClinVar aggregate classification (germline): Uncertain significance (1 of 4 stars; one submission).

Submission:

GeneDx
Classification: Uncertain significance. Last evaluated: 2025-06-11. Review status: criteria provided, single submitter. Criteria: GeneDx Variant Classification Process June 2021. Collection method: clinical testing. Allele origin: germline. Affected: yes.
Comment: Not observed at significant frequency in large population cohorts (gnomAD); In silico analysis supports a deleterious effect on protein structure/function; Has not been previously published as pathogenic or benign to our knowledge

NM_001271696.3(ABCB7):c.1138_1139delinsTT (p.Gly380Phe)

Gene: ABCB7 (ATP binding cassette subfamily B member 7; minus strand). Cytogenetic location: Xq13.3.
Variant type: Indel.
Coding change: c.1138_1139delinsTT on transcript NM_001271696.3 (MANE Select); coding-DNA positions 1138 to 1139, GG replaced by TT.
Protein change: p.Gly380Phe; replaces glycine 380 with phenylalanine.
Molecular consequence: missense variant.
Genome position (GRCh38, 1-based): chrX:75,071,577-75,071,578, CC replaced by AA on the plus strand (GG replaced by TT on the coding strand, the reverse complement: ABCB7 is on the minus strand). VCF-style: chrX-75071577-CC-AA. GRCh37 (hg19) VCF-style: chrX-74291412-CC-AA.
Other names: c.1018_1019delinsTT, p.Gly340Phe (NM_001271697.3); c.1060_1061delinsTT, p.Gly354Phe (NM_001271698.3); c.1021_1022delinsTT, p.Gly341Phe (NM_001271699.3); c.1141_1142delinsTT, p.Gly381Phe (NM_004299.6); short protein forms G340F, G341F, G354F, G380F, G381F.
Identifiers: ClinVar variation 4537723 (VCV004537723.1).
Genomic context (GRCh38, chrX:75,071,577, plus strand): 5'-ATTCCCTGACTGGCGAGCACCATTATAGCTGTTAAACCGACACTGAAAATAGCACTTTGA[CC>AA]AAAGTTCAGCATAGCCAGAGTAGAGGTACTTTTCAATGAAGCAGTCTCATACGTCTTCAA-3'
Protein context (NP_001258625.1, residues 370-390): STSTLAMLNF[Gly380Phe]QSAIFSVGLT